The following is an entry in ClinVar:

NM_201596.3(CACNB2):c.824A>G (p.Tyr275Cys)

Gene: CACNB2 (calcium voltage-gated channel auxiliary subunit beta 2; plus strand). Cytogenetic location: 10p12.31.
Variant type: single nucleotide variant.
Coding change: c.824A>G on transcript NM_201596.3 (MANE Select); coding-DNA position 824, A replaced by G.
Protein change: p.Tyr275Cys; replaces tyrosine 275 with cysteine.
Molecular consequence: missense variant.
Genome position (GRCh38, 1-based): chr10:18,518,355, A>G. VCF-style: chr10-18518355-A-G. GRCh37 (hg19) VCF-style: chr10-18807284-A-G.
Other names: c.659A>G, p.Tyr220Cys (NM_000724.4); c.626A>G, p.Tyr209Cys (NM_001167945.2); c.545A>G, p.Tyr182Cys (NM_001330060.2); c.680A>G, p.Tyr227Cys (NM_201570.3); c.740A>G, p.Tyr247Cys (NM_201571.4); c.668A>G, p.Tyr223Cys (NM_201572.4); c.662A>G, p.Tyr221Cys (NM_201590.3); c.710A>G, p.Tyr237Cys (NM_201593.3); and 1 more; short protein forms Y221C, Y275C, Y209C, Y220C, Y237C, Y251C, Y182C, Y223C.
Identifiers: ClinVar variation 191433 (VCV000191433.2), dbSNP rs200826317, ClinGen allele CA236652.
Genomic context (GRCh38, chr10:18,518,355, plus strand): 5'-CCTGCCTGTGAAACGTCTAAAAGCCTCTCCTCTCTCTGCAGACAGAGCACACTCCTCCGT[A>G]TGATGTGGTACCTTCCATGCGACCAGTGGTCCTAGTGGGCCCTTCTCTGAAGGGCTACGA-3'
Protein context (NP_963890.2, residues 265-285): FFKKTEHTPP[Tyr275Cys]DVVPSMRPVV

ClinVar aggregate classification (germline): Uncertain significance. Review status: criteria provided, multiple submitters, no conflicts (2 of 4 stars). 2 submissions from 2 submitters: Uncertain significance (2). Last evaluated 2021-12-01.

Allele frequency attached by ClinVar (database versions not stated): gnomAD exomes below 0.00001; TOPMed below 0.00001.
gnomAD v4.1: 1 of 1,613,344 alleles (0.000062%); highest among the groups gnomAD compares: Non-Finnish European, 0.000085%; no homozygotes.

Submissions (2):

AiLife Diagnostics
Classification: Uncertain significance. Last evaluated: 2021-12-01. Review status: criteria provided, single submitter. Criteria: ACMG Guidelines, 2015. Collection method: clinical testing. Allele origin: germline. Affected: yes. Observed: 1 variant allele.

Biesecker Lab/Clinical Genomics Section, National Institutes of Health
Classification: Uncertain significance. Last evaluated: 2013-06-24. Review status: criteria provided, single submitter. Criteria: Ng et al. (Circ Cardiovasc Genet. 2013). Collection method: research. Allele origin: unknown. Observed: 1 variant allele. Study: ClinSeq.
Comment: The study set was not selected for affection status in relation to any cancer. Pathogenicity categories were based on literature curation. See Pubmed ID:23861362 for details.

Medical sequencing